The following is an entry in ClinVar:

ClinVar aggregate classification (germline): Uncertain significance (1 of 4 stars; one submission).

Submission:

Labcorp Genetics (formerly Invitae), Labcorp
Classification: Uncertain significance. Last evaluated: 2023-01-21. Review status: criteria provided, single submitter. Criteria: Invitae Variant Classification Sherloc (09022015). Collection method: clinical testing. Allele origin: germline.
Comment: This sequence change replaces phenylalanine, which is neutral and non-polar, with isoleucine, which is neutral and non-polar, at codon 2371 of the FLNB protein (p.Phe2371Ile). In summary, the available evidence is currently insufficient to determine the role of this variant in disease. Therefore, it has been classified as a Variant of Uncertain Significance. Advanced modeling of protein sequence and biophysical properties (such as structural, functional, and spatial information, amino acid conservation, physicochemical variation, residue mobility, and thermodynamic stability) performed at Invitae indicates that this missense variant is not expected to disrupt FLNB protein function. This variant has not been reported in the literature in individuals affected with FLNB-related conditions. This variant is not present in population databases (gnomAD no frequency).

NM_001457.4(FLNB):c.7111T>A (p.Phe2371Ile)

Genes: FLNB (filamin B; plus strand), FLNB-AS1 (FLNB antisense RNA 1; minus strand). Cytogenetic location: 3p14.3.
Variant type: single nucleotide variant.
Coding change: c.7111T>A on transcript NM_001457.4 (MANE Select); coding-DNA position 7111, T replaced by A.
Protein change: p.Phe2371Ile; replaces phenylalanine 2371 with isoleucine.
Molecular consequence: missense variant. On other transcripts: non-coding transcript variant (1).
Genome position (GRCh38, 1-based): chr3:58,163,243, T>A. VCF-style: chr3-58163243-T-A. GRCh37 (hg19) VCF-style: chr3-58148970-T-A.
Other names: c.7204T>A, p.Phe2402Ile (NM_001164317.2); c.7078T>A, p.Phe2360Ile (NM_001164318.2); c.7039T>A, p.Phe2347Ile (NM_001164319.2); short protein forms F2347I, F2371I, F2402I, F2360I.
Identifiers: ClinVar variation 2830849 (VCV002830849.3), dbSNP rs2471254349, ClinGen allele CA353364638.
Genomic context (GRCh38, chr3:58,163,243, plus strand): 5'-GAGAATGGTGTCCACACCATCGATGTCAAGTTCAATGGGAGCCACGTGGTTGGAAGCCCC[T>A]TCAAAGTGCGCGTTGGGGAGCCTGGACAAGCGGGGAACCCTGCCCTGGTGTCCGCCTATG-3'
Protein context (NP_001448.2, residues 2361-2381): FNGSHVVGSP[Phe2371Ile]KVRVGEPGQA